The following is an entry in ClinVar:

ClinVar aggregate classification (germline): Uncertain significance (1 of 4 stars; one submission).

Submission:

Labcorp Genetics (formerly Invitae), Labcorp
Classification: Uncertain significance. Last evaluated: 2022-10-09. Review status: criteria provided, single submitter. Criteria: Invitae Variant Classification Sherloc (09022015). Collection method: clinical testing. Allele origin: germline.
Comment: This sequence change replaces valine, which is neutral and non-polar, with isoleucine, which is neutral and non-polar, at codon 19 of the HK1 protein (p.Val19Ile). This variant is not present in population databases (gnomAD no frequency). This variant has not been reported in the literature in individuals affected with HK1-related conditions. In summary, the available evidence is currently insufficient to determine the role of this variant in disease. Therefore, it has been classified as a Variant of Uncertain Significance. Algorithms developed to predict the effect of missense changes on protein structure and function (SIFT, PolyPhen-2, Align-GVGD) all suggest that this variant is likely to be tolerated.

NM_000188.3(HK1):c.55G>A (p.Val19Ile)

Genes: HK1 (hexokinase 1; plus strand), LOC130003980 (ATAC-STARR-seq lymphoblastoid silent region 2430; plus strand). Cytogenetic location: 10q22.1.
Variant type: single nucleotide variant.
Coding change: c.55G>A on transcript NM_000188.3 (MANE Select); coding-DNA position 55, G replaced by A.
Protein change: p.Val19Ile; replaces valine 19 with isoleucine.
Molecular consequence: missense variant. On other transcripts: intron variant (8).
Genome position (GRCh38, 1-based): chr10:69,319,002, G>A. VCF-style: chr10-69319002-G-A. GRCh37 (hg19) VCF-style: chr10-71078758-G-A.
Other names: c.55G>A, p.Val19Ile (NM_001322367.1); c.27+18141G>A (NM_033500.2); c.168+23322G>A (NM_001322365.2); c.75+23322G>A (NM_033498.3, NM_033497.3, NM_001322364.2 and 1 more transcripts); c.60+2988G>A (NM_033496.3); c.-22+767G>A (NM_001322366.1); short protein forms V19I.
Identifiers: ClinVar variation 1721349 (VCV001721349.6), dbSNP rs2540138941, ClinGen allele CA376899910.